The following is an entry in ClinVar:

NM_020166.5(MCCC1):c.1444G>A (p.Gly482Arg)

Gene: MCCC1 (methylcrotonyl-CoA carboxylase subunit 1; minus strand). Cytogenetic location: 3q27.1.
Variant type: single nucleotide variant.
Coding change: c.1444G>A on transcript NM_020166.5 (MANE Select); coding-DNA position 1444, G replaced by A.
Protein change: p.Gly482Arg; replaces glycine 482 with arginine.
Molecular consequence: missense variant. On other transcripts: non-coding transcript variant (1).
Genome position (GRCh38, 1-based): chr3:183,037,368, C>T on the plus strand (G>A on the coding strand, the complement: MCCC1 is on the minus strand). VCF-style: chr3-183037368-C-T. GRCh37 (hg19) VCF-style: chr3-182755156-C-T.
Other names: c.1093G>A, p.Gly365Arg (NM_001293273.2); c.1117G>A, p.Gly373Arg (NM_001363880.1); short protein forms G365R, G482R, G373R.
Identifiers: ClinVar variation 1034912 (VCV001034912.6), dbSNP rs1290771044, ClinGen allele CA355320768.

ClinVar aggregate classification (germline): Uncertain significance (1 of 4 stars; one submission).

Conditions:
3-methylcrotonyl-CoA carboxylase 1 deficiency (MCC1D). Also called: MCCD TYPE 1; METHYLCROTONYLGLYCINURIA TYPE I; MCC 1 deficiency; 3 Alpha methylcrotonylglycinuria 1. Identifiers: Orphanet 6, MedGen CN028786, MONDO:0008861, OMIM 210200.

Submission:

Labcorp Genetics (formerly Invitae), Labcorp
Classification: Uncertain significance for 3-methylcrotonyl-CoA carboxylase 1 deficiency. Last evaluated: 2021-08-26. Review status: criteria provided, single submitter. Criteria: Invitae Variant Classification Sherloc (09022015). Collection method: clinical testing. Allele origin: germline.
Comment: This sequence change replaces glycine with arginine at codon 482 of the MCCC1 protein (p.Gly482Arg). The glycine residue is highly conserved and there is a moderate physicochemical difference between glycine and arginine. This variant is not present in population databases (ExAC no frequency). This variant has not been reported in the literature in individuals affected with MCCC1-related conditions. Advanced modeling of protein sequence and biophysical properties (such as structural, functional, and spatial information, amino acid conservation, physicochemical variation, residue mobility, and thermodynamic stability) performed at Invitae indicates that this missense variant is expected to disrupt MCCC1 protein function. In summary, the available evidence is currently insufficient to determine the role of this variant in disease. Therefore, it has been classified as a Variant of Uncertain Significance.